The following is an entry in ClinVar:

NM_144991.3(TSPEAR):c.1794T>A (p.Tyr598Ter)

Gene: TSPEAR (thrombospondin type laminin G domain and EAR repeats; minus strand). Cytogenetic location: 21q22.3.
Variant type: single nucleotide variant.
Coding change: c.1794T>A on transcript NM_144991.3 (MANE Select); coding-DNA position 1794, T replaced by A.
Protein change: p.Tyr598Ter; replaces tyrosine 598 with a stop codon.
Molecular consequence: nonsense.
Genome position (GRCh38, 1-based): chr21:44,504,842, A>T on the plus strand (T>A on the coding strand, the complement: TSPEAR is on the minus strand). VCF-style: chr21-44504842-A-T. GRCh37 (hg19) VCF-style: chr21-45924725-A-T.
Other names: c.1590T>A, p.Tyr530Ter (NM_001272037.2); short protein forms Y530*, Y598*.
Identifiers: ClinVar variation 4081843 (VCV004081843.1).

ClinVar aggregate classification (germline): Pathogenic (1 of 4 stars; one submission).

Conditions:
Tooth agenesis, selective, 10 (STHAG10). Identifiers: MedGen C5774277, MONDO:0859339, OMIM 620173.
Autosomal recessive nonsyndromic hearing loss 98. Also called: Deafness, autosomal recessive 98. Identifiers: Orphanet 90636, MedGen C3553932, MONDO:0013929, OMIM 614861.
Ectodermal dysplasia 14, hair/tooth type with or without hypohidrosis. Identifiers: Orphanet 685067, MedGen C4748560, MONDO:0032584, OMIM 618180.

gnomAD v4.1: 2 of 1,612,508 alleles (0.00012%); highest among the groups gnomAD compares: Non-Finnish European, 0.00017%; no homozygotes.

Submission:

Medical Genetics, Meyer Children Hospital
Classification: Pathogenic for Ectodermal dysplasia 14, hair/tooth type with or without hypohidrosis; Autosomal recessive nonsyndromic hearing loss 98; Tooth agenesis, selective, 10. Last evaluated: 2025-08-04. Review status: criteria provided, single submitter. Criteria: ACMG Guidelines, 2015. Collection method: clinical testing. Allele origin: maternal. Affected: yes.
Comment: PVS1, PM2, PM3, PS4